The following is an entry in ClinVar:

NM_018075.5(ANO10):c.1401G>T (p.Val467=)

Gene: ANO10 (anoctamin 10; minus strand). Cytogenetic location: 3p22.1.
Variant type: single nucleotide variant.
Coding change: c.1401G>T on transcript NM_018075.5 (MANE Select); coding-DNA position 1401, G replaced by T.
Protein change: p.Val467=; no amino-acid change (valine 467 retained).
Molecular consequence: synonymous variant.
Genome position (GRCh38, 1-based): chr3:43,561,295, C>A on the plus strand (G>T on the coding strand, the complement: ANO10 is on the minus strand). VCF-style: chr3-43561295-C-A. GRCh37 (hg19) VCF-style: chr3-43602787-C-A.
Other names: c.1401G>T, p.Val467= (NM_001204831.3, NM_001346463.2, NM_001346464.2 and 3 more transcripts); c.1203G>T, p.Val401= (NM_001204832.3, NM_001346466.2, NM_001346469.2); c.1068G>T, p.Val356= (NM_001204833.3); c.831G>T, p.Val277= (NM_001204834.3).
Identifiers: ClinVar variation 900101 (VCV000900101.32), dbSNP rs149580265, ClinGen allele CA2340780.

ClinVar aggregate classification (germline): Conflicting classifications of pathogenicity. Review status: criteria provided, conflicting classifications (1 of 4 stars). 4 submissions from 4 submitters: Uncertain significance (1); Likely benign (3). Last evaluated 2026-01-31.

Conditions:
Autosomal recessive spinocerebellar ataxia 10. Identifiers: Orphanet 284289, MedGen C3150998, MONDO:0013392, OMIM 613728.

Allele frequency attached by ClinVar (database versions not stated): gnomAD 0.00003; TOPMed 0.00004; ESP Exome Variant Server 0.00015.
gnomAD v4.1: 127 of 1,614,030 alleles (0.0079%); highest among the groups gnomAD compares: Non-Finnish European, 0.01%; no homozygotes.

Submissions (4):

Labcorp Genetics (formerly Invitae), Labcorp
Classification: Likely benign. Last evaluated: 2026-01-31. Review status: criteria provided, single submitter. Criteria: Invitae Variant Classification Sherloc (09022015). Collection method: clinical testing. Allele origin: germline.

CeGaT Center for Human Genetics Tuebingen
Classification: Likely benign. Last evaluated: 2022-11-01. Review status: criteria provided, single submitter. Criteria: CeGaT Center For Human Genetics Tuebingen Variant Classification Criteria Version 2. Collection method: clinical testing. Allele origin: germline. Affected: yes. Observed: 1 variant allele.
Comment: ANO10: BP4, BP7

Athena Diagnostics
Classification: Likely benign. Last evaluated: 2021-01-25. Review status: criteria provided, single submitter. Criteria: Athena Diagnostics criteria. Collection method: clinical testing. Allele origin: unknown.

Illumina Laboratory Services, Illumina
Classification: Uncertain significance for Autosomal recessive spinocerebellar ataxia 10. Last evaluated: 2018-01-13. Review status: criteria provided, single submitter. Criteria: ICSL Variant Classification Criteria 13 December 2019. Collection method: clinical testing. Allele origin: germline.